The following is an entry in ClinVar:

NM_004369.4(COL6A3):c.6690+240A>G

Gene: COL6A3 (collagen type VI alpha 3 chain; minus strand). Cytogenetic location: 2q37.3.
Variant type: single nucleotide variant.
Coding change: c.6690+240A>G on transcript NM_004369.4 (MANE Select); 240 bases into the intron after coding-DNA position 6690, A replaced by G.
Molecular consequence: intron variant.
Genome position (GRCh38, 1-based): chr2:237,353,101, T>C on the plus strand (A>G on the coding strand, the complement: COL6A3 is on the minus strand). VCF-style: chr2-237353101-T-C. GRCh37 (hg19) VCF-style: chr2-238261744-T-C.
Other names: c.4869+240A>G (NM_057166.5); c.6072+240A>G (NM_057167.4).
Identifiers: ClinVar variation 679233 (VCV000679233.1), dbSNP rs7605340, ClinGen allele CA11328083.

ClinVar aggregate classification (germline): Benign (1 of 4 stars; one submission).

Allele frequency attached by ClinVar (database versions not stated): 1000 Genomes Project 30x 0.55965; 1000 Genomes Project 0.56629; TOPMed 0.59235; gnomAD 0.59856 and 0.60041.
gnomAD v4.1: 90,744 of 151,382 alleles (60%); highest among the groups gnomAD compares: East Asian, 66%; 27,353 homozygotes.

Submission:

GeneDx
Classification: Benign. Last evaluated: 2018-06-14. Review status: criteria provided, single submitter. Criteria: GeneDx Variant Classification (06012015). Collection method: clinical testing. Allele origin: germline. Affected: yes.
Comment: This variant is considered likely benign or benign based on one or more of the following criteria: it is a conservative change, it occurs at a poorly conserved position in the protein, it is predicted to be benign by multiple in silico algorithms, and/or has population frequency not consistent with disease.